The following is an entry in ClinVar:

NM_000048.4(ASL):c.443A>T (p.Glu148Val)

Gene: ASL (argininosuccinate lyase; plus strand). Cytogenetic location: 7q11.21.
Variant type: single nucleotide variant.
Coding change: c.443A>T on transcript NM_000048.4 (MANE Select); coding-DNA position 443, A replaced by T.
Protein change: p.Glu148Val; replaces glutamic acid 148 with valine.
Molecular consequence: missense variant.
Genome position (GRCh38, 1-based): chr7:66,083,171, A>T. VCF-style: chr7-66083171-A-T. GRCh37 (hg19) VCF-style: chr7-65548158-A-T.
Other names: c.443A>T, p.Glu148Val (NM_001024943.2, NM_001024944.2, NM_001024946.2); short protein forms E148V.
Identifiers: ClinVar variation 4988861 (VCV004988861.1).

ClinVar aggregate classification (germline): Uncertain significance (1 of 4 stars; one submission).

Conditions:
ASL-related disorder. Also called: ASL-related condition.

gnomAD v4.1: 5 of 1,612,214 alleles (0.00031%); highest among the groups gnomAD compares: African/African-American, 0.0067%; no homozygotes.

Submission:

PreventionGenetics, part of Exact Sciences
Classification: Uncertain significance for ASL-related condition. Last evaluated: 2026-05-31. Review status: criteria provided, single submitter. Criteria: ACMG Guidelines, 2015. Collection method: clinical testing. Allele origin: germline.
Comment: The ASL c.443A>T variant is predicted to result in the amino acid substitution p.Glu148Val. To our knowledge, this variant has not been reported in the literature. This variant is reported in 0.0080% of alleles in individuals of African descent in gnomAD. At this time, the clinical significance of this variant is uncertain due to the absence of conclusive functional and genetic evidence.